The following is an entry in ClinVar:

ClinVar aggregate classification (germline): Pathogenic. Review status: criteria provided, multiple submitters, no conflicts (2 of 4 stars). 2 submissions from 2 submitters: Pathogenic (2). Last evaluated 2023-05-02.

Conditions:
Familial adenomatous polyposis 1 (FAP1). Also called: FAMILIAL ADENOMATOUS POLYPOSIS 1, ATTENUATED; POLYPOSIS, ADENOMATOUS INTESTINAL. Identifiers: MedGen C2713442, MONDO:0021056, OMIM 175100. Disease mechanism: loss of function.
Hereditary cancer-predisposing syndrome. Also called: Neoplastic Syndromes, Hereditary; Tumor predisposition; Hereditary Cancer Syndrome; Hereditary neoplastic syndrome. Identifiers: Orphanet 140162, MedGen C0027672, MeSH D009386, MONDO:0015356.

Submissions (2):

Myriad Genetics, Inc.
Classification: Pathogenic for Familial adenomatous polyposis 1. Last evaluated: 2023-05-02. Review status: criteria provided, single submitter. Criteria: Myriad Autosomal Dominant, Autosomal Recessive and X-Linked Classification Criteria (2023). Collection method: clinical testing. Allele origin: unknown.
Comment: This variant is considered pathogenic. This variant creates a frameshift predicted to result in premature protein truncation.

Ambry Genetics
Classification: Pathogenic for Hereditary cancer-predisposing syndrome. Last evaluated: 2015-05-21. Review status: criteria provided, single submitter. Criteria: Ambry Variant Classification Scheme 2023. Collection method: clinical testing. Allele origin: germline.
Comment: The c.1654_1658delTCTTG pathogenic mutation, located in coding exon 13 of the APC gene, results from a deletion of 5 nucleotides at positions 1654 to 1658, causing a translational frameshift with a predicted alternate stop codon. Since frameshifts are typically deleterious in nature, this alteration is interpreted as a disease-causing mutation (ACMG Recommendations for Standards for Interpretation and Reporting of Sequence Variations. Revision 2007. Genet Med. 2008;10:294).

NM_000038.6(APC):c.1654_1658del (p.Ser552fs)

Gene: APC (APC regulator of Wnt signaling pathway; plus strand). Cytogenetic location: 5q22.2.
Variant type: Deletion.
Coding change: c.1654_1658del on transcript NM_000038.6 (MANE Select); coding-DNA positions 1654 to 1658, 5 bases deleted (TCTTG; older notation c.1654_1658delTCTTG).
Protein change: p.Ser552fs; shifts the reading frame from serine 552.
Molecular consequence: frameshift variant.
Genome position (GRCh38, 1-based): chr5:112,828,883-112,828,887, TCTTG deleted; deleting any 5 consecutive bases within chr5:112,828,880-112,828,887 gives the same sequence; the c. name uses the placement nearest the transcript's 3' end. VCF-style (leftmost placement, unchanged base first): chr5-112828879-TTTGTC-T. GRCh37 (hg19) VCF-style: chr5-112164576-TTTGTC-T.
Other names: c.1654_1658del, p.Ser552fs (NM_001127510.3, NM_001354895.2); c.1600_1604del, p.Ser534fs (NM_001127511.3); c.1708_1712del, p.Ser570fs (NM_001354896.2); c.1684_1688del, p.Ser562fs (NM_001354897.2); c.1579_1583del, p.Ser527fs (NM_001354898.2); c.1570_1574del, p.Ser524fs (NM_001354899.2); c.1531_1535del, p.Ser511fs (NM_001354900.2); c.1477_1481del, p.Ser493fs (NM_001354901.2); and 5 more; short protein forms S493fs, S524fs, S552fs, S451fs, S461fs, S570fs, S269fs, S392fs.
Identifiers: ClinVar variation 231945 (VCV000231945.6), dbSNP rs876659452, ClinGen allele CA10578322.